The following is an entry in ClinVar:

NM_001009931.3(HRNR):c.7608A>T (p.Pro2536=)

Genes: CCDST (cervical cancer associated DHX9 suppressive transcript; plus strand), HRNR (hornerin; minus strand). Cytogenetic location: 1q21.3.
Variant type: single nucleotide variant.
Coding change: c.7608A>T on transcript NM_001009931.3 (MANE Select); coding-DNA position 7608, A replaced by T.
Protein change: p.Pro2536=; no amino-acid change (proline 2536 retained).
Molecular consequence: synonymous variant.
Genome position (GRCh38, 1-based): chr1:152,214,021, T>A on the plus strand (A>T on the coding strand, the complement: HRNR is on the minus strand). VCF-style: chr1-152214021-T-A. GRCh37 (hg19) VCF-style: chr1-152186497-T-A.
Identifiers: ClinVar variation 3904951 (VCV003904951.10).

ClinVar aggregate classification (germline): Likely benign (1 of 4 stars; one submission).

Submission:

CeGaT Center for Human Genetics Tuebingen
Classification: Likely benign. Last evaluated: 2025-05-01. Review status: criteria provided, single submitter. Criteria: CeGaT Center For Human Genetics Tuebingen Variant Classification Criteria Version 2. Collection method: clinical testing. Allele origin: germline. Affected: yes. Observed: 1 variant allele.
Comment: HRNR: BP4, BP7